The following is an entry in ClinVar:

NM_001374736.1(DST):c.742A>G (p.Ile248Val)

Gene: DST (dystonin; minus strand). Cytogenetic location: 6p12.1.
Variant type: single nucleotide variant.
Coding change: c.742A>G on transcript NM_001374736.1 (MANE Select); coding-DNA position 742, A replaced by G.
Protein change: p.Ile248Val; replaces isoleucine 248 with valine.
Molecular consequence: missense variant.
Genome position (GRCh38, 1-based): chr6:56,704,315, T>C on the plus strand (A>G on the coding strand, the complement: DST is on the minus strand). VCF-style: chr6-56704315-T-C. GRCh37 (hg19) VCF-style: chr6-56569113-T-C.
Other names: p.Ile248Val; c.742A>G, p.Ile248Val (NM_001144769.5, NM_001374722.1); c.328A>G, p.Ile110Val (NM_001144770.2); c.208A>G, p.Ile70Val (NM_001374729.1, NM_001374730.1, NM_183380.4); c.769A>G, p.Ile257Val (NM_001374734.1); c.742A>G (NM_001144769.3); short protein forms I70V, I248V, I110V, I257V.
Identifiers: ClinVar variation 871263 (VCV000871263.47), dbSNP rs112635185, ClinGen allele CA3871861.

ClinVar aggregate classification (germline): Conflicting classifications of pathogenicity. Review status: criteria provided, conflicting classifications (1 of 4 stars). 6 submissions from 6 submitters: Uncertain significance (3); Benign (1); Likely benign (2). Last evaluated 2026-06-01.

Conditions:
Inborn genetic diseases. Identifiers: MedGen C0950123, MeSH D030342.
DST-related disorder. Also called: DST-related disorders; DST-related condition.

Allele frequency attached by ClinVar (database versions not stated): 1000 Genomes Project 0.00040; 1000 Genomes Project 30x 0.00062; gnomAD 0.00118 and 0.00121; gnomAD exomes 0.00118 and 0.00172; TOPMed 0.00119; ESP Exome Variant Server 0.00145; ExAC 0.00206.
gnomAD v4.1: 2,607 of 1,572,826 alleles (0.17%); highest among the groups gnomAD compares: Non-Finnish European, 0.2%; 6 homozygotes.

Submissions (6):

CeGaT Center for Human Genetics Tuebingen
Classification: Likely benign. Last evaluated: 2026-06-01. Review status: criteria provided, single submitter. Criteria: CeGaT Center For Human Genetics Tuebingen Variant Classification Criteria Version 2. Collection method: clinical testing. Allele origin: germline. Affected: yes. Observed: 8 variant alleles.
Comment: DST: PP3, BS2

PreventionGenetics, part of Exact Sciences
Classification: Likely benign for DST-related condition. Last evaluated: 2025-03-07. Review status: criteria provided, single submitter. Criteria: ACMG Guidelines, 2015. Collection method: clinical testing. Allele origin: germline.
Comment: This variant is classified as likely benign based on ACMG/AMP sequence variant interpretation guidelines (Richards et al. 2015 PMID: 25741868, with internal and published modifications).

Blueprint Genetics
Classification: Uncertain significance. Last evaluated: 2024-11-21. Review status: criteria provided, single submitter. Criteria: ACMG Guidelines, 2015. Collection method: clinical testing. Allele origin: germline.

Mayo Clinic Laboratories, Mayo Clinic
Classification: Benign. Last evaluated: 2024-03-11. Review status: criteria provided, single submitter. Criteria: ACMG Guidelines, 2015. Collection method: clinical testing. Allele origin: germline. Observed: 3 variant alleles.
Comment: BS1, BS2

Ambry Genetics
Classification: Uncertain significance for Inborn genetic diseases. Last evaluated: 2023-12-18. Review status: criteria provided, single submitter. Criteria: Ambry Variant Classification Scheme 2023. Collection method: clinical testing. Allele origin: germline.

Breakthrough Genomics
Classification: Uncertain significance. Review status: criteria provided, single submitter. Criteria: ACMG Guidelines, 2015. Collection method: not provided. Allele origin: germline. Inheritance: Autosomal recessive inheritance. Affected: yes.